The following is an entry in ClinVar:

ClinVar aggregate classification (germline): Likely pathogenic (1 of 4 stars; one submission).

Conditions:
Hereditary factor VIII deficiency disease (HEMA). Also called: HEMOPHILIA, CLASSIC; AUTOSOMAL HEMOPHILIA A; Hemophilia A; Hemophilia A, congenital; HEM A; Factor 8 deficiency, congenital. Identifiers: Orphanet 98878, MedGen C0019069, MONDO:0010602, OMIM 306700.

Submission:

Neuberg Centre For Genomic Medicine, NCGM
Classification: Likely pathogenic for Hereditary factor VIII deficiency disease. Last evaluated: 2023-05-20. Review status: criteria provided, single submitter. Criteria: ACMG Guidelines, 2015. Collection method: clinical testing. Allele origin: germline. Inheritance: X-linked recessive inheritance. Affected: yes.
Comment: The frame shift c.2712del(p.Ile905PhefsTer19) variant in F8 gene has not been reported previously as a pathogenic variant nor as a benign variant, to our knowledge. The observed variant is absent in gnomAD exomes database. This variant has not been submitted to the ClinVar database. This variant causes a frameshift starting with codon Isoleucine 905, changes this amino acid to Phenylalanine residue, and creates a premature Stop codon at position 19 of the new reading frame, denoted p.Ile905PhefsTer19. This variant is predicted to cause loss of normal protein function through protein truncation. Loss of function variants have been previously reported to be disease causing. For these reasons, this variant has been classified as Likely Pathogenic.

NM_000132.4(F8):c.2712del (p.Ile905fs)

Gene: F8 (coagulation factor VIII; minus strand). Cytogenetic location: Xq28.
Variant type: Deletion.
Coding change: c.2712del on transcript NM_000132.4 (MANE Select); coding-DNA position 2712, one base deleted (G; older notation c.2712delG).
Protein change: p.Ile905fs; shifts the reading frame from isoleucine 905.
Molecular consequence: frameshift variant.
Genome position (GRCh38, 1-based): chrX:154,931,078, C deleted on the plus strand (G on the coding strand, the reverse complement: F8 is on the minus strand). VCF-style (leftmost placement, unchanged base first): chrX-154931077-TC-T. GRCh37 (hg19) VCF-style: chrX-154159352-TC-T.
Other names: short protein forms I905fs.
Identifiers: ClinVar variation 3362337 (VCV003362337.3).